The following is an entry in ClinVar:

ClinVar aggregate classification (germline): Benign (1 of 4 stars; one submission).

Allele frequency attached by ClinVar (database versions not stated): 1000 Genomes Project 0.73343; 1000 Genomes Project 30x 0.74375; TOPMed 0.83591; gnomAD 0.84777 and 0.85574.
gnomAD v4.1: 128,952 of 152,062 alleles (85%); highest among the groups gnomAD compares: Non-Finnish European, 92%; 55,387 homozygotes.

Submission:

GeneDx
Classification: Benign. Last evaluated: 2018-06-19. Review status: criteria provided, single submitter. Criteria: GeneDx Variant Classification (06012015). Collection method: clinical testing. Allele origin: germline. Affected: yes.
Comment: This variant is considered likely benign or benign based on one or more of the following criteria: it is a conservative change, it occurs at a poorly conserved position in the protein, it is predicted to be benign by multiple in silico algorithms, and/or has population frequency not consistent with disease.

NM_014694.4(ADAMTSL2):c.683-172A>G

Gene: ADAMTSL2 (ADAMTS like 2; plus strand). Cytogenetic location: 9q34.2.
Variant type: single nucleotide variant.
Coding change: c.683-172A>G on transcript NM_014694.4 (MANE Select); 172 bases into the intron before coding-DNA position 683, A replaced by G.
Molecular consequence: intron variant.
Genome position (GRCh38, 1-based): chr9:133,544,298, A>G. VCF-style: chr9-133544298-A-G. GRCh37 (hg19) VCF-style: chr9-136409420-A-G.
Other names: c.683-172A>G (NM_001145320.2).
Identifiers: ClinVar variation 680467 (VCV000680467.1), dbSNP rs9802732, ClinGen allele CA12974263.